The following is an entry in ClinVar:

ClinVar aggregate classification (germline): Uncertain significance (1 of 4 stars; one submission).

Conditions:
Fanconi anemia (FA). Also called: Fanconi's anemia. Identifiers: Orphanet 84, MedGen C0015625, MeSH D005199, MONDO:0019391.

Allele frequency attached by ClinVar (database versions not stated): gnomAD exomes below 0.00001.
gnomAD v4.1: 2 of 1,613,992 alleles (0.00012%); highest among the groups gnomAD compares: Non-Finnish European, 0.00017%; no homozygotes.

Submission:

Labcorp Genetics (formerly Invitae), Labcorp
Classification: Uncertain significance for Fanconi anemia. Last evaluated: 2023-11-24. Review status: criteria provided, single submitter. Criteria: Invitae Variant Classification Sherloc (09022015). Collection method: clinical testing. Allele origin: germline.
Comment: This sequence change replaces leucine, which is neutral and non-polar, with isoleucine, which is neutral and non-polar, at codon 739 of the FANCD2 protein (p.Leu739Ile). This variant is present in population databases (no rsID available, gnomAD 0.0009%). This variant has not been reported in the literature in individuals affected with FANCD2-related conditions. Advanced modeling of protein sequence and biophysical properties (such as structural, functional, and spatial information, amino acid conservation, physicochemical variation, residue mobility, and thermodynamic stability) performed at Invitae indicates that this missense variant is not expected to disrupt FANCD2 protein function with a negative predictive value of 80%. In summary, the available evidence is currently insufficient to determine the role of this variant in disease. Therefore, it has been classified as a Variant of Uncertain Significance.

NM_001018115.3(FANCD2):c.2215C>A (p.Leu739Ile)

Genes: FANCD2 (FA complementation group D2; plus strand), LOC107303338 (3p25 FANCD2 Alu-mediated recombination region; plus strand). Cytogenetic location: 3p25.3.
Variant type: single nucleotide variant.
Coding change: c.2215C>A on transcript NM_001018115.3 (MANE Select); coding-DNA position 2215, C replaced by A.
Protein change: p.Leu739Ile; replaces leucine 739 with isoleucine.
Molecular consequence: missense variant.
Genome position (GRCh38, 1-based): chr3:10,065,440, C>A. VCF-style: chr3-10065440-C-A. GRCh37 (hg19) VCF-style: chr3-10107124-C-A.
Other names: c.2215C>A, p.Leu739Ile (NM_001319984.2, NM_001374254.1, NM_033084.6); c.2104C>A, p.Leu702Ile (NM_001374253.1); short protein forms L739I, L702I.
Identifiers: ClinVar variation 2914172 (VCV002914172.3), dbSNP rs1559389286, ClinGen allele CA351734657.